The following is an entry in ClinVar:

NM_001367721.1(CASK):c.2230T>G (p.Leu744Val)

Gene: CASK (calcium/calmodulin dependent serine protein kinase; minus strand). Cytogenetic location: Xp11.4.
Variant type: single nucleotide variant.
Coding change: c.2230T>G on transcript NM_001367721.1 (MANE Select); coding-DNA position 2230, T replaced by G.
Protein change: p.Leu744Val; replaces leucine 744 with valine.
Molecular consequence: missense variant.
Genome position (GRCh38, 1-based): chrX:41,534,899, A>C on the plus strand (T>G on the coding strand, the complement: CASK is on the minus strand). VCF-style: chrX-41534899-A-C. GRCh37 (hg19) VCF-style: chrX-41394152-A-C.
Other names: c.2146T>G, p.Leu716Val (NM_001126054.3); c.2143T>G, p.Leu715Val (NM_001126055.3); c.2212T>G, p.Leu738Val (NM_001410745.1); c.2215T>G, p.Leu739Val (NM_003688.4); short protein forms L715V, L716V, L739V, L744V, L738V.
Identifiers: ClinVar variation 1343024 (VCV001343024.3), dbSNP rs2064854651, ClinGen allele CA412991743.
Genomic context (GRCh38, chrX:41,534,899, plus strand): 5'-CACAAAATGTTTTGAAAGTGAGAATAAGCAACTCACTTACACAATCAAACTTACCTAATA[A>C]GACTAGTGTTTTCCTCTTGAATGCTGGCAGTTTTACTACTTCTTCATATGTGACAAGATC-3'
Protein context (NP_001354650.1, residues 734-754): LPAFKRKTLV[Leu744Val]LGAHGVGRRH

ClinVar aggregate classification (germline): Uncertain significance (1 of 4 stars; one submission).

Allele frequency attached by ClinVar (database versions not stated): TOPMed 0.00002.

Submission:

GeneDx
Classification: Uncertain significance. Last evaluated: 2024-04-29. Review status: criteria provided, single submitter. Criteria: GeneDx Variant Classification Process June 2021. Collection method: clinical testing. Allele origin: germline. Affected: yes.
Comment: Not observed at significant frequency in large population cohorts (gnomAD); In silico analysis supports that this missense variant has a deleterious effect on protein structure/function; Has not been previously published as pathogenic or benign to our knowledge